The following is an entry in ClinVar:

NM_000465.4(BARD1):c.177G>T (p.Glu59Asp)

Gene: BARD1 (BRCA1 associated RING domain 1; minus strand). Cytogenetic location: 2q35.
Variant type: single nucleotide variant.
Coding change: c.177G>T on transcript NM_000465.4 (MANE Select); coding-DNA position 177, G replaced by T.
Protein change: p.Glu59Asp; replaces glutamic acid 59 with aspartic acid.
Molecular consequence: missense variant. On other transcripts: non-coding transcript variant (2), intron variant (2).
Genome position (GRCh38, 1-based): chr2:214,797,099, C>A on the plus strand (G>T on the coding strand, the complement: BARD1 is on the minus strand). VCF-style: chr2-214797099-C-A. GRCh37 (hg19) VCF-style: chr2-215661823-C-A.
Other names: c.177G>T, p.Glu59Asp (NM_001282545.2, NM_001282549.2); c.158+12313G>T (NM_001282548.2); c.159-4654G>T (NM_001282543.2); short protein forms E59D.
Identifiers: ClinVar variation 406787 (VCV000406787.8), dbSNP rs1060501307, ClinGen allele CA16610664.
Genomic context (GRCh38, chr2:214,797,099, plus strand): 5'-ACATCAAACCGTAATTACTTACCTACAGAAGATGTGCTCACATCCTCCTAAACACACAGG[C>A]TCTCTCAGAATGTTAGTACTGTTTGAAGAAATTAAAACAATCAAGATTTGAGTCATTGTT-3'
Protein context (NP_000456.2, residues 49-69): RCSRCTNILR[Glu59Asp]PVCLGGCEHI

ClinVar aggregate classification (germline): Uncertain significance. Review status: criteria provided, multiple submitters, no conflicts (2 of 4 stars). 2 submissions from 2 submitters: Uncertain significance (2). Last evaluated 2025-04-05.

Conditions:
Hereditary cancer-predisposing syndrome. Also called: Hereditary Cancer Syndrome; Hereditary neoplastic syndrome; Neoplastic Syndromes, Hereditary; Tumor predisposition. Identifiers: Orphanet 140162, MedGen C0027672, MeSH D009386, MONDO:0015356.
Familial cancer of breast. Also called: BREAST CANCER, FAMILIAL; Hereditary breast cancer; hereditary breast carcinoma. Identifiers: Orphanet 227535, MedGen C0346153, MONDO:0016419, OMIM 114480. Disease mechanism: loss of function.

Allele frequency attached by ClinVar (database versions not stated): TOPMed below 0.00001.

Submissions (2):

Ambry Genetics
Classification: Uncertain significance for Hereditary cancer-predisposing syndrome. Last evaluated: 2025-04-05. Review status: criteria provided, single submitter. Criteria: Ambry Variant Classification Scheme 2023. Collection method: clinical testing. Allele origin: germline.
Comment: The p.E59D variant (also known as c.177G>T), located in coding exon 2 of the BARD1 gene, results from a G to T substitution at nucleotide position 177. The glutamic acid at codon 59 is replaced by aspartic acid, an amino acid with highly similar properties. This amino acid position is conserved. In addition, this alteration is predicted to be tolerated by in silico analysis. Since supporting evidence is limited at this time, the clinical significance of this alteration remains unclear.

Labcorp Genetics (formerly Invitae), Labcorp
Classification: Uncertain significance for Familial cancer of breast. Last evaluated: 2021-11-05. Review status: criteria provided, single submitter. Criteria: Invitae Variant Classification Sherloc (09022015). Collection method: clinical testing. Allele origin: germline.
Comment: This sequence change replaces glutamic acid, which is acidic and polar, with aspartic acid, which is acidic and polar, at codon 59 of the BARD1 protein (p.Glu59Asp). This variant is not present in population databases (gnomAD no frequency). This variant has not been reported in the literature in individuals affected with BARD1-related conditions. ClinVar contains an entry for this variant (Variation ID: 406787). Algorithms developed to predict the effect of missense changes on protein structure and function output the following: SIFT: "Tolerated"; PolyPhen-2: "Benign"; Align-GVGD: "Class C0". The aspartic acid amino acid residue is found in multiple mammalian species, which suggests that this missense change does not adversely affect protein function. In summary, the available evidence is currently insufficient to determine the role of this variant in disease. Therefore, it has been classified as a Variant of Uncertain Significance.